The following is an entry in ClinVar:

ClinVar aggregate classification (germline): Uncertain significance (1 of 4 stars; one submission).

Allele frequency attached by ClinVar (database versions not stated): TOPMed below 0.00001; gnomAD 0.00001.
gnomAD v4.1: 3 of 1,606,306 alleles (0.00019%); highest among the groups gnomAD compares: Non-Finnish European, 0.00025%; no homozygotes.

Submission:

Labcorp Genetics (formerly Invitae), Labcorp
Classification: Uncertain significance. Last evaluated: 2021-01-17. Review status: criteria provided, single submitter. Criteria: Invitae Variant Classification Sherloc (09022015). Collection method: clinical testing. Allele origin: germline.
Comment: This sequence change replaces glutamine with lysine at codon 411 of the GZF1 protein (p.Gln411Lys). The glutamine residue is weakly conserved and there is a small physicochemical difference between glutamine and lysine. This variant is not present in population databases (ExAC no frequency). This variant has not been reported in the literature in individuals with GZF1-related conditions. Algorithms developed to predict the effect of missense changes on protein structure and function are either unavailable or do not agree on the potential impact of this missense change (SIFT: "Not Available"; PolyPhen-2: "Benign"; Align-GVGD: "Not Available"). In summary, the available evidence is currently insufficient to determine the role of this variant in disease. Therefore, it has been classified as a Variant of Uncertain Significance.

NM_022482.5(GZF1):c.1231C>A (p.Gln411Lys)

Gene: GZF1 (GDNF inducible zinc finger protein 1; plus strand). Cytogenetic location: 20p11.21.
Variant type: single nucleotide variant.
Coding change: c.1231C>A on transcript NM_022482.5 (MANE Select); coding-DNA position 1231, C replaced by A.
Protein change: p.Gln411Lys; replaces glutamine 411 with lysine.
Molecular consequence: missense variant.
Genome position (GRCh38, 1-based): chr20:23,365,614, C>A. VCF-style: chr20-23365614-C-A. GRCh37 (hg19) VCF-style: chr20-23346251-C-A.
Other names: c.1231C>A, p.Gln411Lys (NM_001317012.2, NM_001317019.1); short protein forms Q411K.
Identifiers: ClinVar variation 1503108 (VCV001503108.6), dbSNP rs1014372981, ClinGen allele CA408411340.